The following is an entry in ClinVar:

NM_001128148.3(TFRC):c.1718A>G (p.Tyr573Cys)

Gene: TFRC (transferrin receptor; minus strand). Cytogenetic location: 3q29.
Variant type: single nucleotide variant.
Coding change: c.1718A>G on transcript NM_001128148.3 (MANE Select); coding-DNA position 1718, A replaced by G.
Protein change: p.Tyr573Cys; replaces tyrosine 573 with cysteine.
Molecular consequence: missense variant.
Genome position (GRCh38, 1-based): chr3:196,055,261, T>C on the plus strand (A>G on the coding strand, the complement: TFRC is on the minus strand). VCF-style: chr3-196055261-T-C. GRCh37 (hg19) VCF-style: chr3-195782132-T-C.
Other names: c.1475A>G, p.Tyr492Cys (NM_001313965.2); c.872A>G, p.Tyr291Cys (NM_001313966.2); c.1718A>G, p.Tyr573Cys (NM_003234.4); short protein forms Y492C, Y291C, Y573C.
Identifiers: ClinVar variation 2079779 (VCV002079779.4), dbSNP rs779763743, ClinGen allele CA90743132.

ClinVar aggregate classification (germline): Uncertain significance (1 of 4 stars; one submission).

Allele frequency attached by ClinVar (database versions not stated): gnomAD exomes below 0.00001; TOPMed below 0.00001.
gnomAD v4.1: 4 of 1,614,264 alleles (0.00025%); highest among the groups gnomAD compares: South Asian, 0.0011%; no homozygotes.

Submission:

Labcorp Genetics (formerly Invitae), Labcorp
Classification: Uncertain significance. Last evaluated: 2022-04-18. Review status: criteria provided, single submitter. Criteria: Invitae Variant Classification Sherloc (09022015). Collection method: clinical testing. Allele origin: germline.
Comment: This sequence change replaces tyrosine, which is neutral and polar, with cysteine, which is neutral and slightly polar, at codon 573 of the TFRC protein (p.Tyr573Cys). This variant is present in population databases (rs779763743, gnomAD 0.0009%). This variant has not been reported in the literature in individuals affected with TFRC-related conditions. Algorithms developed to predict the effect of missense changes on protein structure and function are either unavailable or do not agree on the potential impact of this missense change (SIFT: "Tolerated"; PolyPhen-2: "Probably Damaging"; Align-GVGD: "Class C15"). In summary, the available evidence is currently insufficient to determine the role of this variant in disease. Therefore, it has been classified as a Variant of Uncertain Significance.